The following is an entry in ClinVar:

ClinVar aggregate classification (germline): Uncertain significance (1 of 4 stars; one submission).

Conditions:
RPGRIP1L-related disorder. Also called: RPGRIP1L-related disorders; RPGRIP1L-related condition. Identifiers: MedGen CN239416.

gnomAD v4.1: 14 of 1,613,420 alleles (0.00087%); highest among the groups gnomAD compares: African/African-American, 0.004%; no homozygotes.

Submission:

PreventionGenetics, part of Exact Sciences
Classification: Uncertain significance for RPGRIP1L-related condition. Last evaluated: 2025-06-23. Review status: criteria provided, single submitter. Criteria: ACMG Guidelines, 2015. Collection method: clinical testing. Allele origin: germline.
Comment: The RPGRIP1L c.53G>A variant is predicted to result in the amino acid substitution p.Gly18Asp. To our knowledge, this variant has not been reported in the literature. This variant is reported in 0.012% of alleles in individuals of African descent in gnomAD. At this time, the clinical significance of this variant is uncertain due to the absence of conclusive functional and genetic evidence.

NM_015272.5(RPGRIP1L):c.53G>A (p.Gly18Asp)

Gene: RPGRIP1L (RPGRIP1 like; minus strand). Cytogenetic location: 16q12.2.
Variant type: single nucleotide variant.
Coding change: c.53G>A on transcript NM_015272.5 (MANE Select); coding-DNA position 53, G replaced by A.
Protein change: p.Gly18Asp; replaces glycine 18 with aspartic acid.
Molecular consequence: missense variant.
Genome position (GRCh38, 1-based): chr16:53,700,671, C>T on the plus strand (G>A on the coding strand, the complement: RPGRIP1L is on the minus strand). VCF-style: chr16-53700671-C-T. GRCh37 (hg19) VCF-style: chr16-53734583-C-T.
Other names: c.53G>A, p.Gly18Asp (NM_001127897.4, NM_001308334.3, NM_001328422.2 and 2 more transcripts); short protein forms G18D.
Identifiers: ClinVar variation 4980860 (VCV004980860.1).